The following is an entry in ClinVar:

NM_144997.7(FLCN):c.779+10G>A

Gene: FLCN (folliculin; minus strand). Cytogenetic location: 17p11.2.
Variant type: single nucleotide variant.
Coding change: c.779+10G>A on transcript NM_144997.7 (MANE Select); 10 bases into the intron after coding-DNA position 779, G replaced by A.
Molecular consequence: intron variant.
Genome position (GRCh38, 1-based): chr17:17,222,491, C>T on the plus strand (G>A on the coding strand, the complement: FLCN is on the minus strand). VCF-style: chr17-17222491-C-T. GRCh37 (hg19) VCF-style: chr17-17125805-C-T.
Other names: c.779+10G>A (LRG_325t1, NM_001353231.2, NM_001353230.2 and 2 more transcripts); c.833+10G>A (NM_001353229.2).
Identifiers: ClinVar variation 262548 (VCV000262548.21), dbSNP rs376357696, ClinGen allele CA8416317.

ClinVar aggregate classification (germline): Benign/Likely benign. Review status: criteria provided, multiple submitters, no conflicts (2 of 4 stars). 5 submissions from 5 submitters: Benign (1); Likely benign (4). Last evaluated 2026-01-26.

Conditions:
Birt-Hogg-Dube syndrome 1 (BHD1). Also called: FIBROFOLLICULOMAS WITH TRICHODISCOMAS AND ACROCHORDONS. Identifiers: Orphanet 122, MedGen CN375946, MONDO:0800445, OMIM 135150.
Birt-Hogg-Dube syndrome. Also called: Birt Hogg Dubé syndrome. Identifiers: Orphanet 122, MedGen C0346010, MONDO:0800444.

Allele frequency attached by ClinVar (database versions not stated): gnomAD exomes 0.00001 and 0.00002; ExAC 0.00003; TOPMed 0.00003; gnomAD 0.00005; ESP Exome Variant Server 0.00008.
gnomAD v4.1: 27 of 1,614,068 alleles (0.0017%); highest among the groups gnomAD compares: South Asian, 0.012%; no homozygotes.

Submissions (5):

Labcorp Genetics (formerly Invitae), Labcorp
Classification: Likely benign for Birt-Hogg-Dube syndrome. Last evaluated: 2026-01-26. Review status: criteria provided, single submitter. Criteria: Invitae Variant Classification Sherloc (09022015). Collection method: clinical testing. Allele origin: germline.

Quest Diagnostics Nichols Institute San Juan Capistrano
Classification: Likely benign. Last evaluated: 2025-07-05. Review status: criteria provided, single submitter. Criteria: Quest Diagnostics criteria. Collection method: clinical testing. Allele origin: unknown.

Myriad Genetics, Inc.
Classification: Benign for Birt-Hogg-Dube syndrome 1. Last evaluated: 2024-09-04. Review status: criteria provided, single submitter. Criteria: Myriad Autosomal Dominant, Autosomal Recessive and X-Linked Classification Criteria (2023). Collection method: clinical testing. Allele origin: unknown.
Comment: This variant is considered benign. This variant is intronic and is not expected to impact mRNA splicing. This variant has been observed at a population frequency that is significantly greater than expected given the associated disease prevalence and penetrance.

ARUP Laboratories, Molecular Genetics and Genomics, ARUP Laboratories
Classification: Likely benign. Last evaluated: 2016-11-02. Review status: criteria provided, single submitter. Criteria: ARUP Molecular Germline Variant Investigation Process. Collection method: clinical testing. Allele origin: germline.

PreventionGenetics, part of Exact Sciences
Classification: Likely benign. Review status: criteria provided, single submitter. Criteria: ACMG Guidelines, 2015. Collection method: clinical testing. Allele origin: germline.